The following is an entry in ClinVar:

NM_032638.5(GATA2):c.631G>T (p.Val211Phe)

Gene: GATA2 (GATA binding protein 2; minus strand). Cytogenetic location: 3q21.3.
Variant type: single nucleotide variant.
Coding change: c.631G>T on transcript NM_032638.5 (MANE Select); coding-DNA position 631, G replaced by T.
Protein change: p.Val211Phe; replaces valine 211 with phenylalanine.
Molecular consequence: missense variant.
Genome position (GRCh38, 1-based): chr3:128,485,967, C>A on the plus strand (G>T on the coding strand, the complement: GATA2 is on the minus strand). VCF-style: chr3-128485967-C-A. GRCh37 (hg19) VCF-style: chr3-128204810-C-A.
Other names: c.631G>T, p.Val211Phe (NM_001145661.2, NM_001145662.1); short protein forms V211F.
Identifiers: ClinVar variation 2931899 (VCV002931899.3), dbSNP rs1060500088, ClinGen allele CA354406376.

ClinVar aggregate classification (germline): Uncertain significance (1 of 4 stars; one submission).

Conditions:
Monocytopenia with susceptibility to infections. Also called: MONOCYTOPENIA AND MYCOBACTERIAL INFECTION SYNDROME; MONOCYTOPENIA WITH SUSCEPTIBILITY TO MYCOBACTERIAL, FUNGAL, AND PAPILLOMAVIRUS INFECTIONS AND MYELODYSPLASIA; COMBINED IMMUNODEFICIENCY WITH SUSCEPTIBILITY TO MYCOBACTERIAL, VIRAL, AND FUNGAL INFECTIONS; Dendritic cell, monocyte, B lymphocyte, and natural killer lymphocyte deficiency; IMMUNODEFICIENCY 21; GATA2 DEFICIENCY. Identifiers: Orphanet 228423, MedGen C3280030, MONDO:0013607, OMIM 614172.
Deafness-lymphedema-leukemia syndrome. Also called: Lymphedema, primary, with myelodysplasia; Emberger syndrome. Identifiers: Orphanet 3226, MedGen C3279664, MONDO:0013540, OMIM 614038.

Submission:

Labcorp Genetics (formerly Invitae), Labcorp
Classification: Uncertain significance for Monocytopenia with susceptibility to infections; Deafness-lymphedema-leukemia syndrome. Last evaluated: 2025-04-09. Review status: criteria provided, single submitter. Criteria: Invitae Variant Classification Sherloc (09022015). Collection method: clinical testing. Allele origin: germline.
Comment: This sequence change replaces valine, which is neutral and non-polar, with phenylalanine, which is neutral and non-polar, at codon 211 of the GATA2 protein (p.Val211Phe). This variant is not present in population databases (gnomAD no frequency). This variant has not been reported in the literature in individuals affected with GATA2-related conditions. ClinVar contains an entry for this variant (Variation ID: 2931899). Invitae Evidence Modeling of protein sequence and biophysical properties (such as structural, functional, and spatial information, amino acid conservation, physicochemical variation, residue mobility, and thermodynamic stability) indicates that this missense variant is not expected to disrupt GATA2 protein function with a negative predictive value of 95%. In summary, the available evidence is currently insufficient to determine the role of this variant in disease. Therefore, it has been classified as a Variant of Uncertain Significance.